The following is an entry in ClinVar:

NM_000368.5(TSC1):c.2502+51A>G

Gene: TSC1 (TSC complex subunit 1; minus strand). Cytogenetic location: 9q34.13.
Variant type: single nucleotide variant.
Coding change: c.2502+51A>G on transcript NM_000368.5 (MANE Select); 51 bases into the intron after coding-DNA position 2502, A replaced by G.
Molecular consequence: intron variant.
Genome position (GRCh38, 1-based): chr9:132,901,538, T>C on the plus strand (A>G on the coding strand, the complement: TSC1 is on the minus strand). VCF-style: chr9-132901538-T-C. GRCh37 (hg19) VCF-style: chr9-135776925-T-C.
Other names: c.2139+51A>G (NM_001362177.2); c.2349+51A>G (NM_001162427.2); c.2499+51A>G (NM_001162426.2).
Identifiers: ClinVar variation 64749 (VCV000064749.3), dbSNP rs75802666, ClinGen allele CA006528.

ClinVar aggregate classification (germline): Benign. Review status: criteria provided, multiple submitters, no conflicts (2 of 4 stars). 3 submissions from 3 submitters: Benign (2). 1 of the submissions does not count toward it. Last evaluated 2018-06-14.

Conditions:
Tuberous sclerosis syndrome (TSC). Also called: Tuberous sclerosis; Tuberous Sclerosis Complex. Identifiers: Orphanet 805, MedGen C0041341, MONDO:0001734.

Allele frequency attached by ClinVar (database versions not stated): ESP Exome Variant Server 0.03621; TOPMed 0.04447; gnomAD 0.04894 and 0.05189; gnomAD exomes 0.05823 and 0.07230; ExAC 0.07111; 1000 Genomes Project 30x 0.07230; 1000 Genomes Project 0.07947.
gnomAD v4.1: 85,500 of 1,485,002 alleles (5.8%); highest among the groups gnomAD compares: East Asian, 20%; 3,559 homozygotes.

Submissions (3):

GeneDx
Classification: Benign. Last evaluated: 2018-06-14. Review status: criteria provided, single submitter. Criteria: GeneDx Variant Classification (06012015). Collection method: clinical testing. Allele origin: germline. Affected: yes.
Comment: This variant is considered likely benign or benign based on one or more of the following criteria: it is a conservative change, it occurs at a poorly conserved position in the protein, it is predicted to be benign by multiple in silico algorithms, and/or has population frequency not consistent with disease.

Breakthrough Genomics
Classification: Benign. Review status: criteria provided, single submitter. Criteria: ACMG Guidelines, 2015. Collection method: not provided. Allele origin: germline. Inheritance: Autosomal dominant inheritance. Affected: yes.

Tuberous sclerosis database (TSC1)
No classification provided. Condition: TSC. Review status: no classification provided. Criteria: Tuberous Sclerosis Database Assertion Criteria 2015. Collection method: curation. Allele origin: germline. Affected: yes. Not counted in ClinVar's aggregate classification.